The following is an entry in ClinVar:

ClinVar aggregate classification (germline): Likely benign (1 of 4 stars; one submission).

Allele frequency attached by ClinVar (database versions not stated): gnomAD exomes 0.00008; gnomAD 0.00010; TOPMed 0.00014; ExAC 0.00022.
gnomAD v4.1: 136 of 1,613,504 alleles (0.0084%); highest among the groups gnomAD compares: Admixed American, 0.15%; no homozygotes.

Submission:

CeGaT Center for Human Genetics Tuebingen
Classification: Likely benign. Last evaluated: 2023-03-01. Review status: criteria provided, single submitter. Criteria: CeGaT Center For Human Genetics Tuebingen Variant Classification Criteria Version 2. Collection method: clinical testing. Allele origin: germline. Affected: yes. Observed: 1 variant allele.
Comment: EPPK1: BP4, BP7

NM_031308.4(EPPK1):c.5187C>T (p.Phe1729=)

Gene: EPPK1 (epiplakin 1; minus strand). Cytogenetic location: 8q24.3.
Variant type: single nucleotide variant.
Coding change: c.5187C>T on transcript NM_031308.4 (MANE Select); coding-DNA position 5187, C replaced by T.
Protein change: p.Phe1729=; no amino-acid change (phenylalanine 1729 retained).
Molecular consequence: synonymous variant.
Genome position (GRCh38, 1-based): chr8:143,868,067, G>A on the plus strand (C>T on the coding strand, the complement: EPPK1 is on the minus strand). VCF-style: chr8-143868067-G-A. GRCh37 (hg19) VCF-style: chr8-144942235-G-A.
Identifiers: ClinVar variation 2658930 (VCV002658930.24), dbSNP rs781920013, ClinGen allele CA4922213.
Genomic context (GRCh38, chr8:143,868,067, plus strand): 5'-GTCCTCCACACAGCGCTCCAGAAGCTGCAGGTACGTGAGGTTCTCGTGCGTGTTGGGGTC[G>A]AAGAAGCCCTTGGTGTCGTCGCTGGGGTCCGCCAGGATGCGGTTCATCTCCTCGTCGAAG-3'
Protein context (NP_112598.3, residues 1719-1739): ADPSDDTKGF[Phe1729=]DPNTHENLTY